The following is an entry in ClinVar:

NM_000257.4(MYH7):c.2644C>G (p.Gln882Glu)

Genes: MYH7 (myosin heavy chain 7; minus strand), LOC126861898 (BRD4-independent group 4 enhancer GRCh37_chr14:23893609-23894808; plus strand). Cytogenetic location: 14q11.2.
Variant type: single nucleotide variant.
Coding change: c.2644C>G on transcript NM_000257.4 (MANE Select); coding-DNA position 2644, C replaced by G.
Protein change: p.Gln882Glu; replaces glutamine 882 with glutamic acid.
Molecular consequence: missense variant.
Genome position (GRCh38, 1-based): chr14:23,424,804, G>C on the plus strand (C>G on the coding strand, the complement: MYH7 is on the minus strand). VCF-style: chr14-23424804-G-C. GRCh37 (hg19) VCF-style: chr14-23894013-G-C.
Other names: short protein forms Q882E.
Identifiers: ClinVar variation 42921 (VCV000042921.19), dbSNP rs397516160, ClinGen allele CA012781.

ClinVar aggregate classification (germline): Pathogenic/Likely pathogenic. Review status: criteria provided, multiple submitters, no conflicts (2 of 4 stars). 7 submissions from 6 submitters: Pathogenic (1); Likely pathogenic (6). Last evaluated 2026-05-15.

Conditions:
MYH7-related disorder. Also called: MYH7-related disorders; MYH7-related condition; MYH7-related disease.
Cardiovascular phenotype. Identifiers: MedGen CN230736.
Hypertrophic cardiomyopathy 1 (CMH1). Also called: MYH7-Related Familial Hypertrophic Cardiomyopathy; Familial hypertrophic cardiomyopathy 1. Identifiers: MedGen C3495498, MONDO:0008647, OMIM 192600.
Dilated cardiomyopathy 1S (CMD1S). Identifiers: Orphanet 154, Orphanet 54260, MedGen C1834481, MONDO:0013262, OMIM 613426.
Hypertrophic cardiomyopathy. Also called: HYPERTROPHIC MYOCARDIOPATHY. Identifiers: Orphanet 217569, MedGen C0007194, MeSH D002312, MONDO:0005045, HP:0001639.

Allele frequency attached by ClinVar (database versions not stated): gnomAD 0.00001; TOPMed 0.00001.
gnomAD v4.1: 1 of 1,614,066 alleles (0.000062%); highest among the groups gnomAD compares: Non-Finnish European, 0.000085%; no homozygotes.

Submissions (7):

Ambry Genetics
Classification: Likely pathogenic for Cardiovascular phenotype. Last evaluated: 2026-05-15. Review status: criteria provided, single submitter. Criteria: Ambry Variant Classification Scheme 2023. Collection method: clinical testing. Allele origin: germline.
Comment: The p.Q882E variant (also known as c.2644C>G), located in coding exon 20 of the MYH7 gene, results from a C to G substitution at nucleotide position 2644. The glutamine at codon 882 is replaced by glutamic acid, an amino acid with highly similar properties. This variant was reported in multiple individuals with hypertrophic cardiomyopathy (Mohiddin SA et al. Genet Test, 2003;7:21-7; Santos S et al. BMC Med Genet, 2012 Mar;13:17; Walsh R et al. Genet Med, 2017 02;19:192-203; Ho CY et al. Circulation, 2018 Oct;138:1387-1398; Ko C et al. Genet Med, 2018 01;20:69-75; external communication). This variant is located in the myosin head domain, which contains a statistically significant clustering of pathogenic missense variants (Homburger JR et al. Proc Natl Acad Sci U S A, 2016 06;113:6701-6; Walsh R et al. Genet Med, 2017 02;19:192-203; Ambry internal data). This amino acid position is highly conserved in available vertebrate species. In addition, this alteration is predicted to be deleterious by in silico analysis. Based on the majority of available evidence to date, this variant is likely to be pathogenic.

Blueprint Genetics
Classification: Likely pathogenic for MYH7-related disorders. Last evaluated: 2024-10-16. Review status: criteria provided, single submitter. Criteria: ACMG Guidelines, 2015. Collection method: clinical testing. Allele origin: germline. Affected: yes. Observed: 1 variant allele.

Labcorp Genetics (formerly Invitae), Labcorp
Classification: Pathogenic for Hypertrophic cardiomyopathy. Last evaluated: 2024-08-01. Review status: criteria provided, single submitter. Criteria: Invitae Variant Classification Sherloc (09022015). Collection method: clinical testing. Allele origin: germline.
Comment: This sequence change replaces glutamine, which is neutral and polar, with glutamic acid, which is acidic and polar, at codon 882 of the MYH7 protein (p.Gln882Glu). This variant is present in population databases (rs397516160, gnomAD 0.007%). This missense change has been observed in individuals with hypertrophic cardiomyopathy (PMID: 12820698, 22429680, 27247418, 27532257). ClinVar contains an entry for this variant (Variation ID: 42921). Advanced modeling of protein sequence and biophysical properties (such as structural, functional, and spatial information, amino acid conservation, physicochemical variation, residue mobility, and thermodynamic stability) performed at Invitae indicates that this missense variant is expected to disrupt MYH7 protein function with a positive predictive value of 95%. For these reasons, this variant has been classified as Pathogenic.

GeneDx
Classification: Likely pathogenic. Last evaluated: 2022-09-19. Review status: criteria provided, single submitter. Criteria: GeneDx Variant Classification Process June 2021. Collection method: clinical testing. Allele origin: germline. Affected: yes.
Comment: Not observed at significant frequency in large population cohorts (gnomAD); In silico analysis supports that this missense variant does not alter protein structure/function; This variant is associated with the following publications: (PMID: 22429680, 27247418, 27532257, 34542152, 12820698, 29300372)

Institute of Human Genetics, University of Leipzig Medical Center
Classification: Likely pathogenic for Hypertrophic cardiomyopathy 1. Last evaluated: 2021-07-28. Review status: criteria provided, single submitter. Criteria: ACMG Guidelines, 2015. Collection method: clinical testing. Allele origin: germline. Affected: yes.

Institute of Human Genetics, University of Leipzig Medical Center
Classification: Likely pathogenic for Dilated cardiomyopathy 1S. Last evaluated: 2019-01-01. Review status: criteria provided, single submitter. Criteria: ACMG Guidelines, 2015. Collection method: clinical testing. Allele origin: unknown. Affected: yes.

Laboratory for Molecular Medicine, Mass General Brigham Personalized Medicine
Classification: Likely pathogenic for Hypertrophic cardiomyopathy. Last evaluated: 2015-09-21. Review status: criteria provided, single submitter. Criteria: LMM Criteria. Collection method: clinical testing. Allele origin: germline. Inheritance: Autosomal dominant inheritance. Observed: 3 variant alleles.
Comment: The p.Gln882Glu variant in MYH7 has been reported in 3 individuals with HCM, two of whom also carried a second likely disease-causing variant (Mohiddin 2003, Sa ntos 2012). This variant was absent from large population studies. Computational pred iction tools and conservation analysis suggest that the p.Gln882Glu variant may impact the protein, though this information is not predictive enough to determin e pathogenicity. In summary, although additional studies are required to fully e stablish its clinical significance, the p.Gln882Glu variant is likely pathogenic .

Literature cited by the submitters: PubMed 12820698 (cited by 3 submitters); PubMed 22429680 (cited by 3 submitters); PubMed 27532257 (cited by Ambry Genetics and Labcorp Genetics (formerly Invitae), Labcorp); PubMed 28640247 (cited by Ambry Genetics); PubMed 30297972 (cited by Ambry Genetics); PubMed 27247418 (cited by Labcorp Genetics (formerly Invitae), Labcorp); PubMed 8533830 (cited by Laboratory for Molecular Medicine, Mass General Brigham Personalized Medicine).